The following is an entry in ClinVar:

NM_000124.4(ERCC6):c.3626_3627del (p.Asn1208_Ser1209insTer)

Gene: ERCC6 (ERCC excision repair 6, chromatin remodeling factor; minus strand). Cytogenetic location: 10q11.23.
Variant type: Microsatellite.
Coding change: c.3626_3627del on transcript NM_000124.4 (MANE Select); coding-DNA positions 3626 to 3627, 2 bases deleted (CT; older notation c.3626_3627delCT).
Protein change: p.Asn1208_Ser1209insTer.
Molecular consequence: nonsense.
Genome position (GRCh38, 1-based): chr10:49,470,333-49,470,334, AG deleted on the plus strand (CT on the coding strand, the reverse complement: ERCC6 is on the minus strand); deleting any 2 consecutive bases within chr10:49,470,333-49,470,336 gives the same sequence; the c. name uses the placement nearest the transcript's 3' end. VCF-style (leftmost placement, unchanged base first): chr10-49470332-TAG-T. GRCh37 (hg19) VCF-style: chr10-50678378-TAG-T.
Other names: c.3626_3627del, p.Asn1208_Ser1209insTer (NM_001346440.2).
Identifiers: ClinVar variation 2001316 (VCV002001316.4), dbSNP rs2495971037, ClinGen allele CA2580615460.

ClinVar aggregate classification (germline): Pathogenic (1 of 4 stars; one submission).

Submission:

Labcorp Genetics (formerly Invitae), Labcorp
Classification: Pathogenic. Last evaluated: 2022-06-08. Review status: criteria provided, single submitter. Criteria: Invitae Variant Classification Sherloc (09022015). Collection method: clinical testing. Allele origin: germline.
Comment: This sequence change creates a premature translational stop signal (p.Ser1209*) in the ERCC6 gene. It is expected to result in an absent or disrupted protein product. Loss-of-function variants in ERCC6 are known to be pathogenic (PMID: 18628313, 29572252). For these reasons, this variant has been classified as Pathogenic. This variant has not been reported in the literature in individuals affected with ERCC6-related conditions. This variant is not present in population databases (gnomAD no frequency).

Literature cited by the submitters: PubMed 18628313; PubMed 29572252.